The following is an entry in ClinVar:

ClinVar aggregate classification (germline): Uncertain significance. Review status: criteria provided, multiple submitters, no conflicts (2 of 4 stars). 2 submissions from 2 submitters: Uncertain significance (2). Last evaluated 2025-06-02.

Conditions:
Inborn genetic diseases. Identifiers: MedGen C0950123, MeSH D030342.

Allele frequency attached by ClinVar (database versions not stated): gnomAD 0.00001.
gnomAD v4.1: 5 of 1,613,838 alleles (0.00031%); highest among the groups gnomAD compares: South Asian, 0.0022%; no homozygotes.

Submissions (2):

Labcorp Genetics (formerly Invitae), Labcorp
Classification: Uncertain significance. Last evaluated: 2025-06-02. Review status: criteria provided, single submitter. Criteria: Invitae Variant Classification Sherloc (09022015). Collection method: clinical testing. Allele origin: germline.
Comment: This sequence change replaces arginine, which is basic and polar, with glutamine, which is neutral and polar, at codon 508 of the C3 protein (p.Arg508Gln). This variant is present in population databases (no rsID available, gnomAD 0.003%). This variant has not been reported in the literature in individuals affected with C3-related conditions. ClinVar contains an entry for this variant (Variation ID: 2514738). An algorithm developed to predict the effect of missense changes on protein structure and function (PolyPhen-2) suggests that this variant is likely to be disruptive. In summary, the available evidence is currently insufficient to determine the role of this variant in disease. Therefore, it has been classified as a Variant of Uncertain Significance.

Ambry Genetics
Classification: Uncertain significance for Inborn genetic diseases. Last evaluated: 2023-05-23. Review status: criteria provided, single submitter. Criteria: Ambry Variant Classification Scheme 2023. Collection method: clinical testing. Allele origin: germline.

NM_000064.4(C3):c.1523G>A (p.Arg508Gln)

Gene: C3 (complement C3; minus strand). Cytogenetic location: 19p13.3.
Variant type: single nucleotide variant.
Coding change: c.1523G>A on transcript NM_000064.4 (MANE Select); coding-DNA position 1523, G replaced by A.
Protein change: p.Arg508Gln; replaces arginine 508 with glutamine.
Molecular consequence: missense variant.
Genome position (GRCh38, 1-based): chr19:6,710,802, C>T on the plus strand (G>A on the coding strand, the complement: C3 is on the minus strand). VCF-style: chr19-6710802-C-T. GRCh37 (hg19) VCF-style: chr19-6710813-C-T.
Other names: short protein forms R508Q.
Identifiers: ClinVar variation 2514738 (VCV002514738.3), dbSNP rs1220371107, ClinGen allele CA403640589.